The following is an entry in ClinVar:

NM_000399.5(EGR2):c.374C>A (p.Thr125Asn)

Gene: EGR2 (early growth response 2; minus strand). Cytogenetic location: 10q21.3.
Variant type: single nucleotide variant.
Coding change: c.374C>A on transcript NM_000399.5 (MANE Select); coding-DNA position 374, C replaced by A.
Protein change: p.Thr125Asn; replaces threonine 125 with asparagine.
Molecular consequence: missense variant.
Genome position (GRCh38, 1-based): chr10:62,814,264, G>T on the plus strand (C>A on the coding strand, the complement: EGR2 is on the minus strand). VCF-style: chr10-62814264-G-T. GRCh37 (hg19) VCF-style: chr10-64574024-G-T.
Other names: c.374C>A, p.Thr125Asn (NM_001136177.3, NM_001136178.2); c.224C>A, p.Thr75Asn (NM_001136179.3, NM_001321037.2); c.413C>A, p.Thr138Asn (NM_001410931.1); short protein forms T125N, T138N, T75N.
Identifiers: ClinVar variation 3697250 (VCV003697250.2).

ClinVar aggregate classification (germline): Uncertain significance (1 of 4 stars; one submission).

Conditions:
Charcot-Marie-Tooth disease, type I (CMT1). Also called: Charcot-Marie-Tooth disease type 1; Charcot-Marie-Tooth, Type 1. Identifiers: Orphanet 65753, MedGen C0751036, MONDO:0019011.

Submission:

Labcorp Genetics (formerly Invitae), Labcorp
Classification: Uncertain significance for Charcot-Marie-Tooth disease, type I. Last evaluated: 2024-05-09. Review status: criteria provided, single submitter. Criteria: Invitae Variant Classification Sherloc (09022015). Collection method: clinical testing. Allele origin: germline.
Comment: This sequence change replaces threonine, which is neutral and polar, with asparagine, which is neutral and polar, at codon 125 of the EGR2 protein (p.Thr125Asn). This variant is not present in population databases (gnomAD no frequency). This variant has not been reported in the literature in individuals affected with EGR2-related conditions. Advanced modeling of protein sequence and biophysical properties (such as structural, functional, and spatial information, amino acid conservation, physicochemical variation, residue mobility, and thermodynamic stability) performed at Invitae indicates that this missense variant is not expected to disrupt EGR2 protein function with a negative predictive value of 80%. In summary, the available evidence is currently insufficient to determine the role of this variant in disease. Therefore, it has been classified as a Variant of Uncertain Significance.